The following is an entry in ClinVar:

NM_006158.5(NEFL):c.*486T>G

Gene: NEFL (neurofilament light chain; minus strand). Cytogenetic location: 8p21.2.
Variant type: single nucleotide variant.
Coding change: c.*486T>G on transcript NM_006158.5 (MANE Select); 486 bases downstream of the stop codon, T replaced by G.
Molecular consequence: 3 prime UTR variant.
Genome position (GRCh38, 1-based): chr8:24,952,324, A>C on the plus strand (T>G on the coding strand, the complement: NEFL is on the minus strand). VCF-style: chr8-24952324-A-C. GRCh37 (hg19) VCF-style: chr8-24809837-A-C.
Identifiers: ClinVar variation 362635 (VCV000362635.5), dbSNP rs562682645, ClinGen allele CA10627512.

ClinVar aggregate classification (germline): Benign (1 of 4 stars; one submission).

Conditions:
Charcot-Marie-Tooth disease type 1F. Also called: CHARCOT-MARIE-TOOTH NEUROPATHY, TYPE 1F; Charcot-Marie-Tooth disease, demyelinating, type 1f. Identifiers: Orphanet 101085, MedGen C1843164, MONDO:0011902, OMIM 607734.

Allele frequency attached by ClinVar (database versions not stated): gnomAD below 0.00001 and 0.00023; TOPMed 0.00003; 1000 Genomes Project 0.00160; 1000 Genomes Project 30x 0.00172.

Submission:

Illumina Laboratory Services, Illumina
Classification: Benign for Charcot-Marie-Tooth disease type 1F. Last evaluated: 2018-01-13. Review status: criteria provided, single submitter. Criteria: ICSL Variant Classification Criteria 13 December 2019. Collection method: clinical testing. Allele origin: germline.
Comment: This variant was observed in the ICSL laboratory as part of a predisposition screen in an ostensibly healthy population. It had not been previously curated by ICSL or reported in the Human Gene Mutation Database (HGMD: prior to June 1st, 2018), and was therefore a candidate for classification through an automated scoring system. Utilizing variant allele frequency, disease prevalence and penetrance estimates, and inheritance mode, an automated score was calculated to assess if this variant is too frequent to cause the disease. Based on the score and internal cut-off values, a variant classified as benign is not then subjected to further curation. The score for this variant resulted in a classification of benign for this disease.